The following is an entry in ClinVar:

NM_005271.5(GLUD1):c.803G>A (p.Arg268His)

Gene: GLUD1 (glutamate dehydrogenase 1; minus strand). Cytogenetic location: 10q23.2.
Variant type: single nucleotide variant.
Coding change: c.803G>A on transcript NM_005271.5 (MANE Select); coding-DNA position 803, G replaced by A.
Protein change: p.Arg268His; replaces arginine 268 with histidine.
Molecular consequence: missense variant.
Genome position (GRCh38, 1-based): chr10:87,062,774, C>T on the plus strand (G>A on the coding strand, the complement: GLUD1 is on the minus strand). VCF-style: chr10-87062774-C-T. GRCh37 (hg19) VCF-style: chr10-88822531-C-T.
Other names: c.803G>A (NM_005271.3); c.404G>A, p.Arg135His (NM_001318900.1); c.302G>A, p.Arg101His (NM_001318901.1, NM_001318902.1, NM_001318904.2 and 2 more transcripts); short protein forms R135H, R268H, R101H.
Identifiers: ClinVar variation 2808641 (VCV002808641.4), dbSNP rs1845969424, ClinGen allele CA377469018.

ClinVar aggregate classification (germline): Uncertain significance. Review status: criteria provided, multiple submitters, no conflicts (2 of 4 stars). 2 submissions from 2 submitters: Uncertain significance (2). Last evaluated 2026-03-12.

Conditions:
Hyperinsulinism-hyperammonemia syndrome (HHF6). Identifiers: Orphanet 35878, MedGen C1847555, MONDO:0011717, OMIM 606762.
Inborn genetic diseases. Identifiers: MedGen C0950123, MeSH D030342.

Allele frequency attached by ClinVar (database versions not stated): gnomAD exomes below 0.00001.
gnomAD v4.1: 7 of 1,614,102 alleles (0.00043%); highest among the groups gnomAD compares: South Asian, 0.0011%; no homozygotes.

Submissions (2):

Ambry Genetics
Classification: Uncertain significance for Inborn genetic diseases. Last evaluated: 2026-03-12. Review status: criteria provided, single submitter. Criteria: Ambry Variant Classification Scheme 2023. Collection method: clinical testing. Allele origin: germline.

Labcorp Genetics (formerly Invitae), Labcorp
Classification: Uncertain significance for Hyperinsulinism-hyperammonemia syndrome. Last evaluated: 2025-01-06. Review status: criteria provided, single submitter. Criteria: Invitae Variant Classification Sherloc (09022015). Collection method: clinical testing. Allele origin: germline.
Comment: This sequence change replaces arginine, which is basic and polar, with histidine, which is basic and polar, at codon 268 of the GLUD1 protein (p.Arg268His). This variant is not present in population databases (gnomAD no frequency). This variant has not been reported in the literature in individuals affected with GLUD1-related conditions. ClinVar contains an entry for this variant (Variation ID: 2808641). Invitae Evidence Modeling of protein sequence and biophysical properties (such as structural, functional, and spatial information, amino acid conservation, physicochemical variation, residue mobility, and thermodynamic stability) indicates that this missense variant is expected to disrupt GLUD1 protein function with a positive predictive value of 80%. In summary, the available evidence is currently insufficient to determine the role of this variant in disease. Therefore, it has been classified as a Variant of Uncertain Significance.